The following is an entry in ClinVar:

NM_020937.4(FANCM):c.6061G>A (p.Glu2021Lys)

Gene: FANCM (FA complementation group M; plus strand). Cytogenetic location: 14q21.2.
Variant type: single nucleotide variant.
Coding change: c.6061G>A on transcript NM_020937.4 (MANE Select); coding-DNA position 6061, G replaced by A.
Protein change: p.Glu2021Lys; replaces glutamic acid 2021 with lysine.
Molecular consequence: missense variant.
Genome position (GRCh38, 1-based): chr14:45,199,922, G>A. VCF-style: chr14-45199922-G-A. GRCh37 (hg19) VCF-style: chr14-45669125-G-A.
Other names: c.5983G>A, p.Glu1995Lys (NM_001308133.2); short protein forms E2021K, E1995K.
Identifiers: ClinVar variation 3011281 (VCV003011281.4), dbSNP rs2139331963, ClinGen allele CA389588202.

ClinVar aggregate classification (germline): Uncertain significance. Review status: criteria provided, multiple submitters, no conflicts (2 of 4 stars). 2 submissions from 2 submitters: Uncertain significance (2). Last evaluated 2026-03-07.

Conditions:
Fanconi anemia (FA). Also called: Fanconi's anemia. Identifiers: Orphanet 84, MedGen C0015625, MeSH D005199, MONDO:0019391.
Inborn genetic diseases. Identifiers: MedGen C0950123, MeSH D030342.

gnomAD v4.1: 2 of 1,605,518 alleles (0.00012%); no homozygotes.

Submissions (2):

Ambry Genetics
Classification: Uncertain significance for Inborn genetic diseases. Last evaluated: 2026-03-07. Review status: criteria provided, single submitter. Criteria: Ambry Variant Classification Scheme 2023. Collection method: clinical testing. Allele origin: germline.
Comment: The p.E2021K variant (also known as c.6061G>A), located in coding exon 23 of the FANCM gene, results from a G to A substitution at nucleotide position 6061. The glutamic acid at codon 2021 is replaced by lysine, an amino acid with similar properties. This amino acid position is conserved. In addition, this alteration is predicted to be tolerated by in silico analysis. Based on the available evidence, the clinical significance of this variant remains unclear.

Labcorp Genetics (formerly Invitae), Labcorp
Classification: Uncertain significance for Fanconi anemia. Last evaluated: 2024-01-19. Review status: criteria provided, single submitter. Criteria: Invitae Variant Classification Sherloc (09022015). Collection method: clinical testing. Allele origin: germline.
Comment: This sequence change replaces glutamic acid, which is acidic and polar, with lysine, which is basic and polar, at codon 2021 of the FANCM protein (p.Glu2021Lys). This variant is not present in population databases (gnomAD no frequency). This variant has not been reported in the literature in individuals affected with FANCM-related conditions. An algorithm developed to predict the effect of missense changes on protein structure and function (PolyPhen-2) suggests that this variant is likely to be disruptive. In summary, the available evidence is currently insufficient to determine the role of this variant in disease. Therefore, it has been classified as a Variant of Uncertain Significance.